The following is an entry in ClinVar:

NM_001374736.1(DST):c.12888A>T (p.Gln4296His)

Gene: DST (dystonin; minus strand). Cytogenetic location: 6p12.1.
Variant type: single nucleotide variant.
Coding change: c.12888A>T on transcript NM_001374736.1 (MANE Select); coding-DNA position 12888, A replaced by T.
Protein change: p.Gln4296His; replaces glutamine 4296 with histidine.
Molecular consequence: missense variant.
Genome position (GRCh38, 1-based): chr6:56,592,197, T>A on the plus strand (A>T on the coding strand, the complement: DST is on the minus strand). VCF-style: chr6-56592197-T-A. GRCh37 (hg19) VCF-style: chr6-56456995-T-A.
Other names: c.6531A>T, p.Gln2177His (NM_001144769.5); c.6117A>T, p.Gln2039His (NM_001144770.2); c.12888A>T, p.Gln4296His (NM_001374722.1); c.12255A>T, p.Gln4085His (NM_001374729.1); c.5997A>T, p.Gln1999His (NM_001374730.1, NM_183380.4); c.12915A>T, p.Gln4305His (NM_001374734.1); c.5019A>T, p.Gln1673His (NM_015548.5); short protein forms Q2177H, Q4296H, Q2039H, Q1999H, Q1673H, Q4085H, Q4305H.
Identifiers: ClinVar variation 970354 (VCV000970354.11), dbSNP rs201201114, ClinGen allele CA3868369.

ClinVar aggregate classification (germline): Uncertain significance. Review status: criteria provided, multiple submitters, no conflicts (2 of 4 stars). 2 submissions from 2 submitters: Uncertain significance (2). Last evaluated 2022-06-16.

Conditions:
Epidermolysis bullosa simplex 3, localized or generalized intermediate, with BP230 deficiency (EBS3). Also called: Epidermolysis bullosa simplex, autosomal recessive 2; Epidermolysis bullosa simplex due to BP230 deficiency. Identifiers: Orphanet 412181, MedGen C3809470, MONDO:0014180, OMIM 615425.
Hereditary sensory and autonomic neuropathy type 6. Also called: Neuropathy, hereditary sensory and autonomic, type VI; HSAN VI. Identifiers: Orphanet 314381, MedGen C3539003, MONDO:0013839, OMIM 614653.

Allele frequency attached by ClinVar (database versions not stated): TOPMed 0.00002.
gnomAD v4.1: 11 of 1,613,396 alleles (0.00068%); highest among the groups gnomAD compares: Non-Finnish European, 0.00085%; no homozygotes.

Submissions (2):

Labcorp Genetics (formerly Invitae), Labcorp
Classification: Uncertain significance for Epidermolysis bullosa simplex 3, localized or generalized intermediate, with BP230 deficiency; Hereditary sensory and autonomic neuropathy type 6. Last evaluated: 2022-06-16. Review status: criteria provided, single submitter. Criteria: Invitae Variant Classification Sherloc (09022015). Collection method: clinical testing. Allele origin: germline.
Comment: The DST gene has multiple clinically relevant transcripts. This variant occurs in alternate transcript NM_015548.4, and corresponds to NM_001723.5:c.*23320A>T in the primary transcript. This sequence change replaces glutamine, which is neutral and polar, with histidine, which is basic and polar, at codon 1673 of the DST protein (p.Gln1673His). This variant is present in population databases (rs201201114, gnomAD 0.002%). This variant has not been reported in the literature in individuals affected with DST-related conditions. Experimental studies and prediction algorithms are not available or were not evaluated, and the functional significance of this variant is currently unknown. In summary, the available evidence is currently insufficient to determine the role of this variant in disease. Therefore, it has been classified as a Variant of Uncertain Significance.

Mayo Clinic Laboratories, Mayo Clinic
Classification: Uncertain significance. Last evaluated: 2019-12-11. Review status: criteria provided, single submitter. Criteria: ACMG Guidelines, 2015. Collection method: clinical testing. Allele origin: germline. Observed: 1 variant allele.